The following is an entry in ClinVar:

ClinVar aggregate classification (germline): Likely pathogenic (1 of 4 stars; one submission).

Conditions:
SETD2-related disorder.

Submission:

PreventionGenetics, part of Exact Sciences
Classification: Likely pathogenic for SETD2-related condition. Last evaluated: 2024-12-26. Review status: criteria provided, single submitter. Criteria: ACMG Guidelines, 2015. Collection method: clinical testing. Allele origin: germline.
Comment: The SETD2 c.6293+1G>A variant is predicted to disrupt the GT donor site and interfere with normal splicing. To our knowledge, this variant has not been reported in the literature or in a large population database (gnomAD), indicating this variant is rare. Loss-of-function variants in this gene are expected to be pathogenic, however not many consensus splice site variants in SETD2 have been described as causative. This variant is interpreted as likely pathogenic.

NM_014159.7(SETD2):c.6293+1G>A

Gene: SETD2 (SET domain containing 2, histone lysine methyltransferase; minus strand). Cytogenetic location: 3p21.31.
Variant type: single nucleotide variant.
Coding change: c.6293+1G>A on transcript NM_014159.7 (MANE Select); the canonical splice donor site of the intron after coding-DNA position 6293, G replaced by A.
Molecular consequence: splice donor variant.
Genome position (GRCh38, 1-based): chr3:47,062,162, C>T on the plus strand (G>A on the coding strand, the complement: SETD2 is on the minus strand). VCF-style: chr3-47062162-C-T. GRCh37 (hg19) VCF-style: chr3-47103652-C-T.
Other names: c.6161+1G>A (NM_001349370.3).
Identifiers: ClinVar variation 5000542 (VCV005000542.1).